The following is an entry in ClinVar:

ClinVar aggregate classification (germline): Uncertain significance (1 of 4 stars; one submission).

Conditions:
RASopathy. Also called: rasopathies; Noonan spectrum disorder. Identifiers: Orphanet 536391, MedGen C5555857, MONDO:0021060.

Submission:

Labcorp Genetics (formerly Invitae), Labcorp
Classification: Uncertain significance for RASopathy. Last evaluated: 2023-09-17. Review status: criteria provided, single submitter. Criteria: Invitae Variant Classification Sherloc (09022015). Collection method: clinical testing. Allele origin: germline.
Comment: This sequence change replaces alanine, which is neutral and non-polar, with threonine, which is neutral and polar, at codon 146 of the NRAS protein (p.Ala146Thr). This variant is not present in population databases (gnomAD no frequency). In summary, the available evidence is currently insufficient to determine the role of this variant in disease. Therefore, it has been classified as a Variant of Uncertain Significance. Advanced modeling of protein sequence and biophysical properties (such as structural, functional, and spatial information, amino acid conservation, physicochemical variation, residue mobility, and thermodynamic stability) performed at Invitae indicates that this missense variant is expected to disrupt NRAS protein function. This variant has not been reported in the literature in individuals affected with NRAS-related conditions.

NM_002524.5(NRAS):c.436G>A (p.Ala146Thr)

Gene: NRAS (NRAS proto-oncogene, GTPase; minus strand). Cytogenetic location: 1p13.2.
Variant type: single nucleotide variant.
Coding change: c.436G>A on transcript NM_002524.5 (MANE Select); coding-DNA position 436, G replaced by A.
Protein change: p.Ala146Thr; replaces alanine 146 with threonine.
Molecular consequence: missense variant.
Genome position (GRCh38, 1-based): chr1:114,709,583, C>T on the plus strand (G>A on the coding strand, the complement: NRAS is on the minus strand). VCF-style: chr1-114709583-C-T. GRCh37 (hg19) VCF-style: chr1-115252204-C-T.
Other names: short protein forms A146T.
Identifiers: ClinVar variation 2900866 (VCV002900866.3), dbSNP rs1658995663, ClinGen allele CA341739080.
Genomic context (GRCh38, chr1:114,709,583, plus strand): 5'-TCAACTGATGCAAACTCTTGCACAAATGCTGAAAGCTGTACCATACCTGTCTGGTCTTGG[C>T]TGAGGTTTCAATGAATGGAATCCCGTAACTCTTGGCCAGTTCGTGGGCTTGTTTTGTATC-3'
Protein context (NP_002515.1, residues 136-156): SYGIPFIETS[Ala146Thr]KTRQGVEDAF